The following is an entry in ClinVar:

NM_001003699.4(RREB1):c.4612A>T (p.Lys1538Ter)

Gene: RREB1 (ras responsive element binding protein 1; plus strand). Cytogenetic location: 6p24.3.
Variant type: single nucleotide variant.
Coding change: c.4612A>T on transcript NM_001003699.4 (MANE Select); coding-DNA position 4612, A replaced by T.
Protein change: p.Lys1538Ter; replaces lysine 1538 with a stop codon.
Molecular consequence: nonsense. On other transcripts: intron variant (1).
Genome position (GRCh38, 1-based): chr6:7,247,062, A>T. VCF-style: chr6-7247062-A-T. GRCh37 (hg19) VCF-style: chr6-7247295-A-T.
Other names: c.4447A>T, p.Lys1483Ter (NM_001003698.4, NM_001168344.2); c.3974-1449A>T (NM_001003700.2); short protein forms K1483*, K1538*.
Identifiers: ClinVar variation 5028444 (VCV005028444.1).

ClinVar aggregate classification (germline): Pathogenic (1 of 4 stars; one submission).

Submission:

Ambry Genetics
Classification: Pathogenic. Last evaluated: 2026-07-06. Review status: criteria provided, single submitter. Criteria: Ambry Variant Classification Scheme 2023. Collection method: clinical testing. Allele origin: germline.
Comment: The c.4612A>T (p.K1538*) alteration, located in exon 12 (coding exon 9) of the RREB1 gene, consists of an A to T substitution at nucleotide position 4612. This changes the amino acid from a lysine (K) to a stop codon at amino acid position 1538. This variant is expected to result in loss of function by premature protein truncation or nonsense-mediated mRNA decay. This variant was not reported in population-based cohorts in the Genome Aggregation Database (gnomAD). Based on the available evidence, this alteration is classified as pathogenic.